The following is an entry in ClinVar:

ClinVar aggregate classification (germline): Uncertain significance (1 of 4 stars; one submission).

Conditions:
Seizures, benign familial infantile, 3 (BFIS3). Also called: CONVULSIONS, BENIGN FAMILIAL INFANTILE, 3; Familial neonatal seizures. Identifiers: Orphanet 140927, Orphanet 306, MedGen C1843140, MONDO:0011904, OMIM 607745.
Developmental and epileptic encephalopathy, 11 (DEE11). Also called: Early infantile epileptic encephalopathy 11. Identifiers: Orphanet 1934, MedGen C3150987, MONDO:0013388, OMIM 613721.

Submission:

Labcorp Genetics (formerly Invitae), Labcorp
Classification: Uncertain significance for Seizures, benign familial infantile, 3; Developmental and epileptic encephalopathy, 11. Last evaluated: 2023-06-25. Review status: criteria provided, single submitter. Criteria: Invitae Variant Classification Sherloc (09022015). Collection method: clinical testing. Allele origin: germline.
Comment: In summary, the available evidence is currently insufficient to determine the role of this variant in disease. Therefore, it has been classified as a Variant of Uncertain Significance. Advanced modeling of protein sequence and biophysical properties (such as structural, functional, and spatial information, amino acid conservation, physicochemical variation, residue mobility, and thermodynamic stability) performed at Invitae indicates that this missense variant is expected to disrupt SCN2A protein function. This variant has not been reported in the literature in individuals affected with SCN2A-related conditions. This variant is not present in population databases (gnomAD no frequency). This sequence change replaces valine, which is neutral and non-polar, with glycine, which is neutral and non-polar, at codon 1380 of the SCN2A protein (p.Val1380Gly).

NM_001040142.2(SCN2A):c.4139T>G (p.Val1380Gly)

Gene: SCN2A (sodium voltage-gated channel alpha subunit 2; plus strand). Cytogenetic location: 2q24.3.
Variant type: single nucleotide variant.
Coding change: c.4139T>G on transcript NM_001040142.2 (MANE Select); coding-DNA position 4139, T replaced by G.
Protein change: p.Val1380Gly; replaces valine 1380 with glycine.
Molecular consequence: missense variant.
Genome position (GRCh38, 1-based): chr2:165,374,851, T>G. VCF-style: chr2-165374851-T-G. GRCh37 (hg19) VCF-style: chr2-166231361-T-G.
Other names: c.4139T>G, p.Val1380Gly (NM_001040143.2, NM_001371246.1, NM_001371247.1 and 1 more transcripts); short protein forms V1380G.
Identifiers: ClinVar variation 2949323 (VCV002949323.3), dbSNP rs1299215443, ClinGen allele CA349031096.